The following is an entry in ClinVar:

NM_001267550.2(TTN):c.49465A>T (p.Arg16489Ter)

Genes: TTN (titin; minus strand), TTN-AS1 (TTN antisense RNA 1; plus strand). Cytogenetic location: 2q31.2.
Variant type: single nucleotide variant.
Coding change: c.49465A>T on transcript NM_001267550.2 (MANE Select); coding-DNA position 49465, A replaced by T.
Protein change: p.Arg16489Ter; replaces arginine 16489 with a stop codon.
Molecular consequence: nonsense.
Genome position (GRCh38, 1-based): chr2:178,613,818, T>A on the plus strand (A>T on the coding strand, the complement: TTN is on the minus strand). VCF-style: chr2-178613818-T-A. GRCh37 (hg19) VCF-style: chr2-179478545-T-A.
Other names: c.44542A>T, p.Arg14848Ter (NM_001256850.1); c.22270A>T, p.Arg7424Ter (NM_003319.4); c.41761A>T, p.Arg13921Ter (NM_133378.4); c.22645A>T, p.Arg7549Ter (NM_133432.3); c.22846A>T, p.Arg7616Ter (NM_133437.4); short protein forms R7549*, R7616*, R13921*, R14848*, R7424*, R16489*.
Identifiers: ClinVar variation 4784408 (VCV004784408.1).
Genomic context (GRCh38, chr2:178,613,818, plus strand): 5'-TTGTGTCCTTTACTGGCATCTTATTGCATCTAACCCATTTATCTGTATCAGGATCCAGTC[T>A]TTCAACCCAGTATCCTGTGATTGGGCTGCCACCATCATCATCTGGCTCACACCATGTGAG-3'

ClinVar aggregate classification (germline): Likely pathogenic (1 of 4 stars; one submission).

Conditions:
Dilated cardiomyopathy 1G (CMD1G). Identifiers: Orphanet 154, MedGen C1858763, MONDO:0011400, OMIM 604145.
Autosomal recessive limb-girdle muscular dystrophy type 2J (LGMDR10). Also called: Limb-girdle muscular dystrophy, type 2J; MUSCULAR DYSTROPHY, LIMB-GIRDLE, AUTOSOMAL RECESSIVE 10. Identifiers: Orphanet 140922, MedGen C1837342, MONDO:0012127, OMIM 608807.

Submission:

Labcorp Genetics (formerly Invitae), Labcorp
Classification: Likely pathogenic for Dilated cardiomyopathy 1G; Autosomal recessive limb-girdle muscular dystrophy type 2J. Last evaluated: 2025-07-22. Review status: criteria provided, single submitter. Criteria: Invitae Variant Classification Sherloc (09022015). Collection method: clinical testing. Allele origin: germline.
Comment: This sequence change creates a premature translational stop signal (p.Arg16489*) in the TTN gene. While this is not anticipated to result in nonsense mediated decay, it is expected to create a truncated TTN protein. This variant is not present in population databases (gnomAD no frequency). This premature translational stop signal has been observed in individual(s) with TTN-related conditions (internal data). This variant is located in the A band of TTN (PMID: 25589632). Truncating variants in this region are significantly overrepresented in patients affected with dilated cardiomyopathy (PMID: 25589632). Truncating variants in this region have also been reported in individuals affected with autosomal recessive centronuclear myopathy (PMID: 23975875). In summary, the currently available evidence indicates that the variant is pathogenic, but additional data are needed to prove that conclusively. Therefore, this variant has been classified as Likely Pathogenic.

Literature cited by the submitters: PubMed 25589632; PubMed 23975875.